The following is an entry in ClinVar:

ClinVar aggregate classification (germline): Uncertain significance (1 of 4 stars; one submission).

Submission:

GeneDx
Classification: Uncertain significance. Last evaluated: 2020-06-26. Review status: criteria provided, single submitter. Criteria: GeneDx Variant Classification Process June 2021. Collection method: clinical testing. Allele origin: germline. Affected: yes.
Comment: Has not been previously published as pathogenic or benign to our knowledge; Not observed in large population cohorts (Lek et al., 2016); In silico analysis supports that this missense variant does not alter protein structure/function

NM_000363.5(TNNI3):c.553A>T (p.Asn185Tyr)

Gene: TNNI3 (troponin I3, cardiac type; minus strand). Cytogenetic location: 19q13.42.
Variant type: single nucleotide variant.
Coding change: c.553A>T on transcript NM_000363.5 (MANE Select); coding-DNA position 553, A replaced by T.
Protein change: p.Asn185Tyr; replaces asparagine 185 with tyrosine.
Molecular consequence: missense variant.
Genome position (GRCh38, 1-based): chr19:55,151,914, T>A on the plus strand (A>T on the coding strand, the complement: TNNI3 is on the minus strand). VCF-style: chr19-55151914-T-A. GRCh37 (hg19) VCF-style: chr19-55663282-T-A.
Other names: p.N185Y:AAC>TAC; c.553A>T (LRG_432t1); short protein forms N185Y.
Identifiers: ClinVar variation 181601 (VCV000181601.4), dbSNP rs730881089, ClinGen allele CA021890.